The following is an entry in ClinVar:

ClinVar aggregate classification (germline): Pathogenic. Review status: criteria provided, multiple submitters, no conflicts (2 of 4 stars). 2 submissions from 2 submitters: Pathogenic (2). Last evaluated 2026-05-11.

Conditions:
Tuberous sclerosis 2 (TSC2). Identifiers: Orphanet 805, MedGen C1860707, MONDO:0013199, OMIM 613254.
Hereditary cancer-predisposing syndrome. Also called: Tumor predisposition; Neoplastic Syndromes, Hereditary; Hereditary Cancer Syndrome; Hereditary neoplastic syndrome. Identifiers: Orphanet 140162, MedGen C0027672, MeSH D009386, MONDO:0015356.

Submissions (2):

Ambry Genetics
Classification: Pathogenic for Hereditary cancer-predisposing syndrome. Last evaluated: 2026-05-11. Review status: criteria provided, single submitter. Criteria: Ambry Variant Classification Scheme 2023. Collection method: clinical testing. Allele origin: germline.
Comment: The p.C804* variant (also known as c.2412C>A), located in coding exon 21 of the TSC2 gene, results from a C to A substitution at nucleotide position 2412. This variant is considered to be rare based on population cohorts in the Genome Aggregation Database (gnomAD). This changes the amino acid from a cysteine to a stop codon within coding exon 21. This alteration is expected to result in loss of function by premature protein truncation or nonsense-mediated mRNA decay. As such, this alteration is interpreted as a disease-causing mutation.

Labcorp Genetics (formerly Invitae), Labcorp
Classification: Pathogenic for Tuberous sclerosis 2. Last evaluated: 2021-02-02. Review status: criteria provided, single submitter. Criteria: Invitae Variant Classification Sherloc (09022015). Collection method: clinical testing. Allele origin: germline.
Comment: This sequence change creates a premature translational stop signal (p.Cys804*) in the TSC2 gene. It is expected to result in an absent or disrupted protein product. Loss-of-function variants in TSC2 are known to be pathogenic (PMID: 10205261, 17304050). This variant is not present in population databases (ExAC no frequency). This variant has not been reported in the literature in individuals with TSC2-related conditions. Algorithms developed to predict the effect of sequence changes on RNA splicing suggest that this variant may create or strengthen a splice site, but this prediction has not been confirmed by published transcriptional studies. For these reasons, this variant has been classified as Pathogenic.

Literature cited by the submitters: PubMed 10205261 (cited by Labcorp Genetics (formerly Invitae), Labcorp); PubMed 17304050 (cited by Labcorp Genetics (formerly Invitae), Labcorp).

NM_000548.5(TSC2):c.2412C>A (p.Cys804Ter)

Gene: TSC2 (TSC complex subunit 2; plus strand). Cytogenetic location: 16p13.3.
Variant type: single nucleotide variant.
Coding change: c.2412C>A on transcript NM_000548.5 (MANE Select); coding-DNA position 2412, C replaced by A.
Protein change: p.Cys804Ter; replaces cysteine 804 with a stop codon.
Molecular consequence: nonsense.
Genome position (GRCh38, 1-based): chr16:2,074,256, C>A. VCF-style: chr16-2074256-C-A. GRCh37 (hg19) VCF-style: chr16-2124257-C-A.
Other names: c.2445C>A, p.Cys815Ter (NM_001318832.2); c.2412C>A, p.Cys804Ter (NM_001363528.2, NM_001370404.1, NM_001370405.1 and 3 more transcripts); c.2301C>A, p.Cys767Ter (NM_001318827.2); c.2265C>A, p.Cys755Ter (NM_001318829.2); c.1812C>A, p.Cys604Ter (NM_001318831.2); c.2412C>A (NM_000548.3); short protein forms C815*, C604*, C755*, C767*, C804*.
Identifiers: ClinVar variation 1452824 (VCV001452824.7), dbSNP rs763123951, ClinGen allele CA394277172.